The following is an entry in ClinVar:

ClinVar aggregate classification (germline): Likely pathogenic (1 of 4 stars; one submission).

Conditions:
Autosomal recessive limb-girdle muscular dystrophy type 2J (LGMDR10). Also called: Limb-girdle muscular dystrophy, type 2J; MUSCULAR DYSTROPHY, LIMB-GIRDLE, AUTOSOMAL RECESSIVE 10. Identifiers: Orphanet 140922, MedGen C1837342, MONDO:0012127, OMIM 608807.
Dilated cardiomyopathy 1G (CMD1G). Identifiers: Orphanet 154, MedGen C1858763, MONDO:0011400, OMIM 604145.

Submission:

Labcorp Genetics (formerly Invitae), Labcorp
Classification: Likely pathogenic for Dilated cardiomyopathy 1G; Autosomal recessive limb-girdle muscular dystrophy type 2J. Last evaluated: 2024-03-01. Review status: criteria provided, single submitter. Criteria: Invitae Variant Classification Sherloc (09022015). Collection method: clinical testing. Allele origin: germline.
Comment: This sequence change creates a premature translational stop signal (p.Phe18857Ilefs*8) in the TTN gene. While this is not anticipated to result in nonsense mediated decay, it is expected to create a truncated TTN protein. This variant is not present in population databases (gnomAD no frequency). This variant has not been reported in the literature in individuals affected with TTN-related conditions. This variant is located in the A band of TTN (PMID: 25589632). Truncating variants in this region are significantly overrepresented in patients affected with dilated cardiomyopathy (PMID: 25589632). Truncating variants in this region have also been reported in individuals affected with autosomal recessive centronuclear myopathy (PMID: 23975875). In summary, the currently available evidence indicates that the variant is pathogenic, but additional data are needed to prove that conclusively. Therefore, this variant has been classified as Likely Pathogenic.

Literature cited by the submitters: PubMed 25589632; PubMed 23975875.

NM_001267550.2(TTN):c.56567dup (p.Phe18857fs)

Genes: TTN (titin; minus strand), TTN-AS1 (TTN antisense RNA 1; plus strand). Cytogenetic location: 2q31.2.
Variant type: Duplication.
Coding change: c.56567dup on transcript NM_001267550.2 (MANE Select); coding-DNA position 56567, one base duplicated (T; older notation c.56567dupT).
Protein change: p.Phe18857fs; shifts the reading frame from phenylalanine 18857.
Molecular consequence: frameshift variant.
Genome position (GRCh38, 1-based): chr2:178,599,226, A duplicated on the plus strand (T on the coding strand, the reverse complement: TTN is on the minus strand). VCF-style (leftmost placement, unchanged base first): chr2-178599225-T-TA. GRCh37 (hg19) VCF-style: chr2-179463952-T-TA.
Other names: c.51644dup, p.Phe17216fs (NM_001256850.1); c.29372dup, p.Phe9792fs (NM_003319.4); c.48863dup, p.Phe16289fs (NM_133378.4); c.29747dup, p.Phe9917fs (NM_133432.3); c.29948dup, p.Phe9984fs (NM_133437.4); short protein forms F16289fs, F17216fs, F18857fs, F9792fs, F9917fs, F9984fs.
Identifiers: ClinVar variation 3755022 (VCV003755022.2).